The following is an entry in ClinVar:

ClinVar aggregate classification (germline): Uncertain significance. Review status: criteria provided, multiple submitters, no conflicts (2 of 4 stars). 3 submissions from 3 submitters: Uncertain significance (3). Last evaluated 2024-10-20.

Conditions:
Familial cancer of breast. Also called: hereditary breast carcinoma; Hereditary breast cancer; BREAST CANCER, FAMILIAL. Identifiers: Orphanet 227535, MedGen C0346153, MONDO:0016419, OMIM 114480. Disease mechanism: loss of function.
Hereditary cancer-predisposing syndrome. Also called: Tumor predisposition; Hereditary neoplastic syndrome; Hereditary Cancer Syndrome; Neoplastic Syndromes, Hereditary. Identifiers: Orphanet 140162, MedGen C0027672, MeSH D009386, MONDO:0015356.

Submissions (3):

Labcorp Genetics (formerly Invitae), Labcorp
Classification: Uncertain significance for Familial cancer of breast. Last evaluated: 2024-10-20. Review status: criteria provided, single submitter. Criteria: Invitae Variant Classification Sherloc (09022015). Collection method: clinical testing. Allele origin: germline.
Comment: This sequence change replaces glutamic acid, which is acidic and polar, with valine, which is neutral and non-polar, at codon 218 of the PALB2 protein (p.Glu218Val). This variant is not present in population databases (gnomAD no frequency). This variant has not been reported in the literature in individuals affected with PALB2-related conditions. ClinVar contains an entry for this variant (Variation ID: 1171463). An algorithm developed to predict the effect of missense changes on protein structure and function outputs the following: PolyPhen-2: "Benign". The valine amino acid residue is found in multiple mammalian species, which suggests that this missense change does not adversely affect protein function. In summary, the available evidence is currently insufficient to determine the role of this variant in disease. Therefore, it has been classified as a Variant of Uncertain Significance.

Mayo Clinic Laboratories, Mayo Clinic
Classification: Uncertain significance. Last evaluated: 2021-12-30. Review status: criteria provided, single submitter. Criteria: ACMG Guidelines, 2015. Collection method: clinical testing. Allele origin: germline.

Color Diagnostics, LLC DBA Color Health
Classification: Uncertain significance for Hereditary cancer-predisposing syndrome. Last evaluated: 2020-06-29. Review status: criteria provided, single submitter. Criteria: ACMG Guidelines, 2015. Collection method: clinical testing. Allele origin: germline.
Comment: This missense variant replaces glutamic acid with valine at codon 218 of the PALB2 protein. Computational prediction suggests that this variant may not impact protein structure and function (internally defined REVEL score threshold <= 0.5, PMID: 27666373). To our knowledge, functional studies have not been reported for this variant. This variant has not been reported in individuals affected with hereditary cancer in the literature. This variant has not been identified in the general population by the Genome Aggregation Database (gnomAD). The available evidence is insufficient to determine the role of this variant in disease conclusively. Therefore, this variant is classified as a Variant of Uncertain Significance.

NM_024675.4(PALB2):c.653A>T (p.Glu218Val)

Gene: PALB2 (partner and localizer of BRCA2; minus strand). Cytogenetic location: 16p12.2.
Variant type: single nucleotide variant.
Coding change: c.653A>T on transcript NM_024675.4 (MANE Select); coding-DNA position 653, A replaced by T.
Protein change: p.Glu218Val; replaces glutamic acid 218 with valine.
Molecular consequence: missense variant.
Genome position (GRCh38, 1-based): chr16:23,635,893, T>A on the plus strand (A>T on the coding strand, the complement: PALB2 is on the minus strand). VCF-style: chr16-23635893-T-A. GRCh37 (hg19) VCF-style: chr16-23647214-T-A.
Other names: p.Glu218Val; short protein forms E218V.
Identifiers: ClinVar variation 1171463 (VCV001171463.11), dbSNP rs2142438331, ClinGen allele CA395136491.
Genomic context (GRCh38, chr16:23,635,893, plus strand): 5'-CTTAGGAATGTATCAACACCTTTTTCTGGTTGGGCAGTTGGTGGAATTAATACACTGTCT[T>A]CATTAATTTCTGTAACTGGTTCTGGAGAATCTGGAAGTTCAGATTTAAGACTTAAAAGGT-3'
Protein context (NP_078951.2, residues 208-228): DSPEPVTEIN[Glu218Val]DSVLIPPTAQ